The following is an entry in ClinVar:

ClinVar aggregate classification (germline): Uncertain significance (1 of 4 stars; one submission).

Conditions:
LAMA2-related muscular dystrophy (LAMA2-RD). Also called: Laminin alpha 2-related dystrophy. Identifiers: MedGen C5679788, MONDO:0100228.

Submission:

Labcorp Genetics (formerly Invitae), Labcorp
Classification: Uncertain significance for LAMA2-related muscular dystrophy. Last evaluated: 2021-06-22. Review status: criteria provided, single submitter. Criteria: Invitae Variant Classification Sherloc (09022015). Collection method: clinical testing. Allele origin: germline.
Comment: In summary, the available evidence is currently insufficient to determine the role of this variant in disease. Therefore, it has been classified as a Variant of Uncertain Significance. Advanced modeling of protein sequence and biophysical properties (such as structural, functional, and spatial information, amino acid conservation, physicochemical variation, residue mobility, and thermodynamic stability) performed at Invitae indicates that this missense variant is not expected to disrupt LAMA2 protein function. This variant has not been reported in the literature in individuals with LAMA2-related conditions. This variant is not present in population databases (ExAC no frequency). This sequence change replaces arginine with isoleucine at codon 361 of the LAMA2 protein (p.Arg361Ile). The arginine residue is weakly conserved and there is a moderate physicochemical difference between arginine and isoleucine.

NM_000426.4(LAMA2):c.1082G>T (p.Arg361Ile)

Gene: LAMA2 (laminin subunit alpha 2; plus strand). Cytogenetic location: 6q22.33.
Variant type: single nucleotide variant.
Coding change: c.1082G>T on transcript NM_000426.4 (MANE Select); coding-DNA position 1082, G replaced by T.
Protein change: p.Arg361Ile; replaces arginine 361 with isoleucine.
Molecular consequence: missense variant.
Genome position (GRCh38, 1-based): chr6:129,154,559, G>T. VCF-style: chr6-129154559-G-T. GRCh37 (hg19) VCF-style: chr6-129475704-G-T.
Other names: c.1082G>T, p.Arg361Ile (NM_001079823.2); short protein forms R361I.
Identifiers: ClinVar variation 1475669 (VCV001475669.7), dbSNP rs2114976288, ClinGen allele CA365606881.